The following is an entry in ClinVar:

ClinVar aggregate classification (germline): Uncertain significance. Review status: criteria provided, multiple submitters, no conflicts (2 of 4 stars). 2 submissions from 2 submitters: Uncertain significance (2). Last evaluated 2025-06-10.

Allele frequency attached by ClinVar (database versions not stated): gnomAD 0.00001; gnomAD exomes 0.00001; TOPMed 0.00010.
gnomAD v4.1: 15 of 1,612,954 alleles (0.00093%); highest among the groups gnomAD compares: Non-Finnish European, 0.00051%; no homozygotes.

Submissions (2):

Labcorp Genetics (formerly Invitae), Labcorp
Classification: Uncertain significance. Last evaluated: 2025-06-10. Review status: criteria provided, single submitter. Criteria: Invitae Variant Classification Sherloc (09022015). Collection method: clinical testing. Allele origin: germline.
Comment: This sequence change replaces proline, which is neutral and non-polar, with arginine, which is basic and polar, at codon 1077 of the NALCN protein (p.Pro1077Arg). This variant is present in population databases (no rsID available, gnomAD 0.002%). This variant has not been reported in the literature in individuals affected with NALCN-related conditions. ClinVar contains an entry for this variant (Variation ID: 2907623). Invitae Evidence Modeling of protein sequence and biophysical properties (such as structural, functional, and spatial information, amino acid conservation, physicochemical variation, residue mobility, and thermodynamic stability) indicates that this missense variant is not expected to disrupt NALCN protein function with a negative predictive value of 80%. In summary, the available evidence is currently insufficient to determine the role of this variant in disease. Therefore, it has been classified as a Variant of Uncertain Significance.

GeneDx
Classification: Uncertain significance. Last evaluated: 2025-05-15. Review status: criteria provided, single submitter. Criteria: GeneDx Variant Classification Process June 2021. Collection method: clinical testing. Allele origin: germline.
Comment: In silico analysis supports that this missense variant has a deleterious effect on protein structure/function; Has not been previously published as pathogenic or benign to our knowledge

NM_052867.4(NALCN):c.3230C>G (p.Pro1077Arg)

Gene: NALCN (sodium leak channel, non-selective; minus strand). Cytogenetic location: 13q32.3.
Variant type: single nucleotide variant.
Coding change: c.3230C>G on transcript NM_052867.4 (MANE Select); coding-DNA position 3230, C replaced by G.
Protein change: p.Pro1077Arg; replaces proline 1077 with arginine.
Molecular consequence: missense variant.
Genome position (GRCh38, 1-based): chr13:101,095,613, G>C on the plus strand (C>G on the coding strand, the complement: NALCN is on the minus strand). VCF-style: chr13-101095613-G-C. GRCh37 (hg19) VCF-style: chr13-101747964-G-C.
Other names: c.3230C>G (NM_052867.2); c.3317C>G, p.Pro1106Arg (NM_001350748.2); c.3230C>G, p.Pro1077Arg (NM_001350749.2); c.3143C>G, p.Pro1048Arg (NM_001350750.2, NM_001350751.2); short protein forms P1048R, P1077R, P1106R.
Identifiers: ClinVar variation 2907623 (VCV002907623.5), dbSNP rs931945350, ClinGen allele CA255416207.